The following is an entry in ClinVar:

NM_000282.4(PCCA):c.651G>C (p.Met217Ile)

Gene: PCCA (propionyl-CoA carboxylase subunit alpha; plus strand). Cytogenetic location: 13q32.3.
Variant type: single nucleotide variant.
Coding change: c.651G>C on transcript NM_000282.4 (MANE Select); coding-DNA position 651, G replaced by C.
Protein change: p.Met217Ile; replaces methionine 217 with isoleucine.
Molecular consequence: missense variant. On other transcripts: non-coding transcript variant (5), intron variant (3).
Genome position (GRCh38, 1-based): chr13:100,257,608, G>C. VCF-style: chr13-100257608-G-C. GRCh37 (hg19) VCF-style: chr13-100909862-G-C.
Other names: c.573G>C, p.Met191Ile (NM_001127692.3, NM_001352607.2, NM_001352608.2); c.651G>C, p.Met217Ile (NM_001178004.2, NM_001352605.2, NM_001352606.2 and 1 more transcripts); c.-229-5121G>C (NM_001352610.2, NM_001352611.2, NM_001352612.2); short protein forms M217I, M191I.
Identifiers: ClinVar variation 1399187 (VCV001399187.4), dbSNP rs1018685292, ClinGen allele CA255982342.

ClinVar aggregate classification (germline): Uncertain significance (1 of 4 stars; one submission).

Conditions:
Propionic acidemia (PROP). Also called: GLYCINEMIA, KETOTIC; HYPERGLYCINEMIA WITH KETOACIDOSIS AND LEUKOPENIA; KETOTIC HYPERGLYCINEMIA. Identifiers: Orphanet 35, MedGen C0268579, MONDO:0011628, OMIM 606054, HP:0003571.

gnomAD v4.1: 1 of 1,613,414 alleles (0.000062%); highest among the groups gnomAD compares: African/African-American, 0.0013%; no homozygotes.

Submission:

Labcorp Genetics (formerly Invitae), Labcorp
Classification: Uncertain significance for Propionic acidemia. Last evaluated: 2024-10-08. Review status: criteria provided, single submitter. Criteria: Invitae Variant Classification Sherloc (09022015). Collection method: clinical testing. Allele origin: germline.
Comment: This sequence change replaces methionine, which is neutral and non-polar, with isoleucine, which is neutral and non-polar, at codon 217 of the PCCA protein (p.Met217Ile). This variant is not present in population databases (gnomAD no frequency). This variant has not been reported in the literature in individuals affected with PCCA-related conditions. ClinVar contains an entry for this variant (Variation ID: 1399187). Invitae Evidence Modeling of protein sequence and biophysical properties (such as structural, functional, and spatial information, amino acid conservation, physicochemical variation, residue mobility, and thermodynamic stability) has been performed for this missense variant. However, the output from this modeling did not meet the statistical confidence thresholds required to predict the impact of this variant on PCCA protein function. In summary, the available evidence is currently insufficient to determine the role of this variant in disease. Therefore, it has been classified as a Variant of Uncertain Significance.